The following is an entry in ClinVar:

ClinVar aggregate classification (germline): Uncertain significance (1 of 4 stars; one submission).

Conditions:
DPM3-congenital disorder of glycosylation (MDDGC15). Also called: CDG Io; CDG1(DPM3); DPM3-CDG; MUSCULAR DYSTROPHY-DYSTROGLYCANOPATHY (LIMB-GIRDLE), TYPE C, 15. Identifiers: Orphanet 263494, MedGen C2752007, MONDO:0013049, OMIM 612937.

Allele frequency attached by ClinVar (database versions not stated): gnomAD exomes below 0.00001.
gnomAD v4.1: 2 of 1,614,168 alleles (0.00012%); highest among the groups gnomAD compares: Non-Finnish European, 0.00017%; no homozygotes.

Submission:

Labcorp Genetics (formerly Invitae), Labcorp
Classification: Uncertain significance for DPM3-congenital disorder of glycosylation. Last evaluated: 2023-05-08. Review status: criteria provided, single submitter. Criteria: Invitae Variant Classification Sherloc (09022015). Collection method: clinical testing. Allele origin: germline.
Comment: This variant has not been reported in the literature in individuals affected with DPM3-related conditions. In summary, the available evidence is currently insufficient to determine the role of this variant in disease. Therefore, it has been classified as a Variant of Uncertain Significance. Algorithms developed to predict the effect of missense changes on protein structure and function output the following: SIFT: "Not Available"; PolyPhen-2: "Benign"; Align-GVGD: "Not Available". The arginine amino acid residue is found in multiple mammalian species, which suggests that this missense change does not adversely affect protein function. ClinVar contains an entry for this variant (Variation ID: 2143389). This variant is not present in population databases (gnomAD no frequency). This sequence change replaces glutamine, which is neutral and polar, with arginine, which is basic and polar, at codon 35 of the DPM3 protein (p.Gln35Arg).

NM_153741.2(DPM3):c.104A>G (p.Gln35Arg)

Gene: DPM3 (dolichyl-phosphate mannosyltransferase subunit 3, regulatory; minus strand). Cytogenetic location: 1q22.
Variant type: single nucleotide variant.
Coding change: c.104A>G on transcript NM_153741.2 (MANE Select); coding-DNA position 104, A replaced by G.
Protein change: p.Gln35Arg; replaces glutamine 35 with arginine.
Molecular consequence: missense variant.
Genome position (GRCh38, 1-based): chr1:155,140,137, T>C on the plus strand (A>G on the coding strand, the complement: DPM3 is on the minus strand). VCF-style: chr1-155140137-T-C. GRCh37 (hg19) VCF-style: chr1-155112613-T-C.
Other names: c.194A>G, p.Gln65Arg (NM_018973.4); short protein forms Q35R, Q65R.
Identifiers: ClinVar variation 2143389 (VCV002143389.2), dbSNP rs2526668705, ClinGen allele CA342664535.